The following is an entry in ClinVar:

NM_000051.4(ATM):c.6650_6657del (p.Phe2217fs)

Genes: ATM (ATM serine/threonine kinase; plus strand), C11orf65 (chromosome 11 open reading frame 65; minus strand). Cytogenetic location: 11q22.3.
Variant type: Deletion.
Coding change: c.6650_6657del on transcript NM_000051.4 (MANE Select); coding-DNA positions 6650 to 6657, 8 bases deleted (TTAGTTTT; older notation c.6650_6657delTTAGTTTT).
Protein change: p.Phe2217fs; shifts the reading frame from phenylalanine 2217.
Molecular consequence: frameshift variant. On other transcripts: intron variant (2).
Genome position (GRCh38, 1-based): chr11:108,325,387-108,325,394, TTAGTTTT deleted; deleting any 8 consecutive bases within chr11:108,325,385-108,325,394 gives the same sequence; the c. name uses the placement nearest the transcript's 3' end. VCF-style (leftmost placement, unchanged base first): chr11-108325384-ATTTTAGTT-A. GRCh37 (hg19) VCF-style: chr11-108196111-ATTTTAGTT-A.
Other names: c.6650_6657del, p.Phe2217fs (NM_001351834.2); c.641-16321_641-16314del (NM_001330368.2); c.*38+9828_*38+9835del (NM_001351110.2); c.6650_6657delTTAGTTTT (NM_000051.4); short protein forms F2217fs.
Identifiers: ClinVar variation 219963 (VCV000219963.19), dbSNP rs864622326, ClinGen allele CA350257.

ClinVar aggregate classification (germline): Pathogenic. Review status: criteria provided, multiple submitters, no conflicts (2 of 4 stars). 7 submissions from 7 submitters: Pathogenic (7). Last evaluated 2026-03-30.

Conditions:
Familial prostate cancer. Also called: Hereditary Prostate Cancer. Identifiers: MedGen C2931456, MONDO:0700275, OMIM 176807.
Hereditary cancer-predisposing syndrome. Also called: Neoplastic Syndromes, Hereditary; Hereditary neoplastic syndrome; Tumor predisposition; Hereditary Cancer Syndrome. Identifiers: Orphanet 140162, MedGen C0027672, MeSH D009386, MONDO:0015356.
Familial cancer of breast. Also called: hereditary breast carcinoma; Hereditary breast cancer; BREAST CANCER, FAMILIAL. Identifiers: Orphanet 227535, MedGen C0346153, MONDO:0016419, OMIM 114480. Disease mechanism: loss of function.
Ataxia-telangiectasia syndrome (AT). Also called: Ataxia telangiectasia (A-T); Cerebello-oculocutaneous telangiectasia; Immunodeficiency with ataxia telangiectasia; LOUIS-BAR SYNDROME; AT, COMPLEMENTATION GROUP C; ATAXIA-TELANGIECTASIA, FRESNO VARIANT. Identifiers: Orphanet 100, MedGen C0004135, MONDO:0008840, OMIM 208900.

Submissions (7):

Women's Health and Genetics/Laboratory Corporation of America, LabCorp
Classification: Pathogenic for Familial prostate cancer. Last evaluated: 2026-03-30. Review status: criteria provided, single submitter. Criteria: LabCorp Variant Classification Summary - May 2015. Collection method: clinical testing. Allele origin: germline.
Comment: Variant summary: ATM c.6650_6657delTTAGTTTT (p.Phe2217SerfsX29) results in a premature termination codon, predicted to cause a truncation of the encoded protein or absence of the protein due to nonsense mediated decay, which are commonly known mechanisms for disease. The variant allele was found at a frequency of 4e-06 in 251188 control chromosomes. c.6650_6657delTTAGTTTT has been observed in individual(s) affected with hereditary ataxia. To our knowledge, no experimental evidence demonstrating an impact on protein function has been reported. The following publication have been ascertained in the context of this evaluation (PMID: 34445196). ClinVar contains an entry for this variant (Variation ID: 219963). Based on the evidence outlined above, the variant was classified as pathogenic.

Color Diagnostics, LLC DBA Color Health
Classification: Pathogenic for Hereditary cancer-predisposing syndrome. Last evaluated: 2025-08-11. Review status: criteria provided, single submitter. Criteria: ACMG Guidelines, 2015. Collection method: clinical testing. Allele origin: germline.
Comment: This variant deletes 8 nucleotides in exon 46 of the ATM gene, creating a frameshift and premature translation stop signal. This variant is expected to result in an absent or non-functional protein product. This variant has been reported in an individual affected with congenital ataxia (PMID: 34445196). This variant has been identified in 1/251188 chromosomes in the general population by the Genome Aggregation Database (gnomAD). Loss of ATM function is a known mechanism of disease. Based on the available evidence, this variant is classified as Pathogenic.

Molecular Pathology, Peter Maccallum Cancer Centre
Classification: Pathogenic for Ataxia-telangiectasia syndrome. Last evaluated: 2024-11-13. Review status: criteria provided, single submitter. Criteria: ACMG Guidelines, 2015. Collection method: clinical testing. Allele origin: germline. Inheritance: Autosomal recessive inheritance.

Myriad Genetics, Inc.
Classification: Pathogenic for Familial cancer of breast. Last evaluated: 2024-01-30. Review status: criteria provided, single submitter. Criteria: Myriad Autosomal Dominant, Autosomal Recessive and X-Linked Classification Criteria (2023). Collection method: clinical testing. Allele origin: unknown.
Comment: This variant is considered pathogenic. This variant creates a frameshift predicted to result in premature protein truncation.

Labcorp Genetics (formerly Invitae), Labcorp
Classification: Pathogenic for Ataxia-telangiectasia syndrome. Last evaluated: 2024-01-27. Review status: criteria provided, single submitter. Criteria: Invitae Variant Classification Sherloc (09022015). Collection method: clinical testing. Allele origin: germline.
Comment: This sequence change creates a premature translational stop signal (p.Phe2217Serfs*29) in the ATM gene. It is expected to result in an absent or disrupted protein product. Loss-of-function variants in ATM are known to be pathogenic (PMID: 23807571, 25614872). This variant is present in population databases (rs776876893, gnomAD 0.0009%). This variant has not been reported in the literature in individuals affected with ATM-related conditions. ClinVar contains an entry for this variant (Variation ID: 219963). For these reasons, this variant has been classified as Pathogenic.

Ambry Genetics
Classification: Pathogenic for Hereditary cancer-predisposing syndrome. Last evaluated: 2023-07-22. Review status: criteria provided, single submitter. Criteria: Ambry Variant Classification Scheme 2023. Collection method: clinical testing. Allele origin: germline.
Comment: The c.6650_6657delTTAGTTTT pathogenic mutation, located in coding exon 45 of the ATM gene, results from a deletion of 8 nucleotides at nucleotide positions 6650 to 6657, causing a translational frameshift with a predicted alternate stop codon (p.F2217Sfs*29). This alteration is expected to result in loss of function by premature protein truncation or nonsense-mediated mRNA decay. As such, this alteration is interpreted as a disease-causing mutation.

Molecular Medicine for Neurodegenerative and Neuromuscular Diseases Unit, IRCCS Fondazione Stella Maris
Classification: Pathogenic for Ataxia-telangiectasia syndrome. Last evaluated: 2021-01-04. Review status: criteria provided, single submitter. Criteria: ACMG Guidelines, 2015. Collection method: research. Allele origin: unknown. Affected: yes.

Literature cited by the submitters: PubMed 34445196 (cited by Women's Health and Genetics/Laboratory Corporation of America, LabCorp and Color Diagnostics, LLC DBA Color Health); PubMed 23807571 (cited by Labcorp Genetics (formerly Invitae), Labcorp); PubMed 25614872 (cited by Labcorp Genetics (formerly Invitae), Labcorp).